The following is an entry in ClinVar:

ClinVar aggregate classification (germline): Likely benign (1 of 4 stars; one submission).

Submission:

CeGaT Center for Human Genetics Tuebingen
Classification: Likely benign. Last evaluated: 2026-05-01. Review status: criteria provided, single submitter. Criteria: CeGaT Center For Human Genetics Tuebingen Variant Classification Criteria Version 2. Collection method: clinical testing. Allele origin: germline. Affected: yes. Observed: 1 variant allele.
Comment: BTBD17: BP4, BP7

NM_001080466.2(BTBD17):c.648C>G (p.Leu216=)

Gene: BTBD17 (BTB domain containing 17; minus strand). Cytogenetic location: 17q25.1.
Variant type: single nucleotide variant.
Coding change: c.648C>G on transcript NM_001080466.2 (MANE Select); coding-DNA position 648, C replaced by G.
Protein change: p.Leu216=; no amino-acid change (leucine 216 retained).
Molecular consequence: synonymous variant.
Genome position (GRCh38, 1-based): chr17:74,357,446, G>C on the plus strand (C>G on the coding strand, the complement: BTBD17 is on the minus strand). VCF-style: chr17-74357446-G-C. GRCh37 (hg19) VCF-style: chr17-72353585-G-C.
Identifiers: ClinVar variation 4873349 (VCV004873349.2).